The following is an entry in ClinVar:

ClinVar aggregate classification (germline): Likely benign. Review status: criteria provided, multiple submitters, no conflicts (2 of 4 stars). 4 submissions from 4 submitters: Likely benign (3). 1 of the submissions does not count toward it. Last evaluated 2026-09-01.

Conditions:
Inborn genetic diseases. Identifiers: MedGen C0950123, MeSH D030342.
TRIO-related disorder. Also called: TRIO-related condition; TRIO-related disorders.

Allele frequency attached by ClinVar (database versions not stated): gnomAD exomes 0.00032; TOPMed 0.00033; gnomAD 0.00043 and 0.00045; ExAC 0.00051.
gnomAD v4.1: 1,049 of 1,603,908 alleles (0.065%); highest among the groups gnomAD compares: Non-Finnish European, 0.085%; no homozygotes.

Submissions (4):

CeGaT Center for Human Genetics Tuebingen
Classification: Likely benign. Last evaluated: 2026-09-01. Review status: criteria provided, single submitter. Criteria: CeGaT Center For Human Genetics Tuebingen Variant Classification Criteria Version 2. Collection method: clinical testing. Allele origin: germline. Affected: yes. Observed: 3 variant alleles.
Comment: TRIO: BS2

Ambry Genetics
Classification: Likely benign for Inborn genetic diseases. Last evaluated: 2025-05-30. Review status: criteria provided, single submitter. Criteria: Ambry Variant Classification Scheme 2023. Collection method: clinical testing. Allele origin: germline.

GeneDx
Classification: Likely benign. Last evaluated: 2021-07-29. Review status: criteria provided, single submitter. Criteria: GeneDx Variant Classification Process June 2021. Collection method: clinical testing. Allele origin: germline. Affected: yes.
Comment: Has not been previously published as pathogenic or benign to our knowledge

PreventionGenetics, part of Exact Sciences
Classification: Likely benign for TRIO-related condition. Last evaluated: 2022-03-28. Review status: no assertion criteria provided. Collection method: clinical testing. Allele origin: germline. Not counted in ClinVar's aggregate classification.
Comment: This variant is classified as likely benign based on ACMG/AMP sequence variant interpretation guidelines (Richards et al. 2015 PMID: 25741868, with internal and published modifications).

NM_007118.4(TRIO):c.7405G>A (p.Gly2469Ser)

Gene: TRIO (trio Rho guanine nucleotide exchange factor; plus strand). Cytogenetic location: 5p15.2.
Variant type: single nucleotide variant.
Coding change: c.7405G>A on transcript NM_007118.4 (MANE Select); coding-DNA position 7405, G replaced by A.
Protein change: p.Gly2469Ser; replaces glycine 2469 with serine.
Molecular consequence: missense variant.
Genome position (GRCh38, 1-based): chr5:14,488,033, G>A. VCF-style: chr5-14488033-G-A. GRCh37 (hg19) VCF-style: chr5-14488142-G-A.
Other names: c.7405G>A (NM_007118.3); short protein forms G2469S.
Identifiers: ClinVar variation 1223448 (VCV001223448.13), dbSNP rs750105964, ClinGen allele CA3207400.